The following is an entry in ClinVar:

NM_001036.6(RYR3):c.14515C>T (p.Gln4839Ter)

Genes: AVEN (apoptosis and caspase activation inhibitor; minus strand), RYR3 (ryanodine receptor 3; plus strand). Cytogenetic location: 15q14.
Variant type: single nucleotide variant.
Coding change: c.14515C>T on transcript NM_001036.6 (MANE Select); coding-DNA position 14515, C replaced by T.
Protein change: p.Gln4839Ter; replaces glutamine 4839 with a stop codon.
Molecular consequence: nonsense.
Genome position (GRCh38, 1-based): chr15:33,864,187, C>T. VCF-style: chr15-33864187-C-T. GRCh37 (hg19) VCF-style: chr15-34156388-C-T.
Other names: c.14500C>T, p.Gln4834Ter (NM_001243996.4); short protein forms Q4834*, Q4839*.
Identifiers: ClinVar variation 4885875 (VCV004885875.2).

ClinVar aggregate classification (germline): Uncertain significance (1 of 4 stars; one submission).

Submission:

Dasa
Classification: Uncertain significance. Last evaluated: 2025-07-13. Review status: criteria provided, single submitter. Criteria: DASA Assertion Criteria. Collection method: clinical testing. Allele origin: germline.
Comment: NM_001036.6(RYR3):c.14515C>T (p.Gln4839*) is a nonsense variant in RYR3 predicted to introduce a premature termination codon. This variant is absent from population databases. The currently available literature and clinical evidence are not sufficient to establish a definitive association between this variant and the reported condition. Therefore, this variant is classified as a variant of uncertain significance.